The following is an entry in ClinVar:

ClinVar aggregate classification (germline): Uncertain significance. Review status: criteria provided, multiple submitters, no conflicts (2 of 4 stars). 2 submissions from 2 submitters: Uncertain significance (2). Last evaluated 2024-12-24.

Conditions:
Emery-Dreifuss muscular dystrophy 5, autosomal dominant (EDMD5). Also called: EMERY-DREIFUSS MUSCULAR DYSTROPHY 5. Identifiers: Orphanet 261, MedGen C2751805, MONDO:0013072, OMIM 612999.

Allele frequency attached by ClinVar (database versions not stated): TOPMed below 0.00001; gnomAD 0.00001; ESP Exome Variant Server 0.00008.
gnomAD v4.1: 33 of 1,614,112 alleles (0.002%); highest among the groups gnomAD compares: Non-Finnish European, 0.0025%; no homozygotes.

Submissions (2):

Labcorp Genetics (formerly Invitae), Labcorp
Classification: Uncertain significance for Emery-Dreifuss muscular dystrophy 5, autosomal dominant. Last evaluated: 2024-12-24. Review status: criteria provided, single submitter. Criteria: Invitae Variant Classification Sherloc (09022015). Collection method: clinical testing. Allele origin: germline.
Comment: This sequence change replaces alanine, which is neutral and non-polar, with serine, which is neutral and polar, at codon 3211 of the SYNE2 protein (p.Ala3211Ser). This variant is present in population databases (rs199853298, gnomAD 0.02%). This variant has not been reported in the literature in individuals affected with SYNE2-related conditions. ClinVar contains an entry for this variant (Variation ID: 1058634). An algorithm developed to predict the effect of missense changes on protein structure and function (PolyPhen-2) suggests that this variant is likely to be tolerated. In summary, the available evidence is currently insufficient to determine the role of this variant in disease. Therefore, it has been classified as a Variant of Uncertain Significance.

Ambry Genetics
Classification: Uncertain significance. Last evaluated: 2024-11-09. Review status: criteria provided, single submitter. Criteria: Ambry Variant Classification Scheme 2023. Collection method: clinical testing. Allele origin: germline.

NM_182914.3(SYNE2):c.9631G>T (p.Ala3211Ser)

Gene: SYNE2 (spectrin repeat containing nuclear envelope protein 2; plus strand). Cytogenetic location: 14q23.2.
Variant type: single nucleotide variant.
Coding change: c.9631G>T on transcript NM_182914.3 (MANE Select); coding-DNA position 9631, G replaced by T.
Protein change: p.Ala3211Ser; replaces alanine 3211 with serine.
Molecular consequence: missense variant.
Genome position (GRCh38, 1-based): chr14:64,053,544, G>T. VCF-style: chr14-64053544-G-T. GRCh37 (hg19) VCF-style: chr14-64520262-G-T.
Other names: c.9631G>T, p.Ala3211Ser (NM_015180.6); c.9631G>T (NM_182914.2); short protein forms A3211S.
Identifiers: ClinVar variation 1058634 (VCV001058634.10), dbSNP rs199853298, ClinGen allele CA7221299.